The following is an entry in ClinVar:

ClinVar aggregate classification (germline): Uncertain significance (1 of 4 stars; one submission).

Conditions:
Syndromic multisystem autoimmune disease due to ITCH deficiency. Also called: AUTOIMMUNE DISEASE, MULTISYSTEM, WITH FACIAL DYSMORPHISM. Identifiers: Orphanet 228426, MedGen C3150649, MONDO:0013245, OMIM 613385.

Submission:

Labcorp Genetics (formerly Invitae), Labcorp
Classification: Uncertain significance for Syndromic multisystem autoimmune disease due to ITCH deficiency. Last evaluated: 2019-07-15. Review status: criteria provided, single submitter. Criteria: Invitae Variant Classification Sherloc (09022015). Collection method: clinical testing. Allele origin: germline.
Comment: In summary, the available evidence is currently insufficient to determine the role of this variant in disease. Therefore, it has been classified as a Variant of Uncertain Significance. Algorithms developed to predict the effect of missense changes on protein structure and function are either unavailable or do not agree on the potential impact of this missense change (SIFT: "Deleterious"; PolyPhen-2: "Possibly Damaging"; Align-GVGD: "Class C0"). This variant has not been reported in the literature in individuals with ITCH-related conditions. This variant is not present in population databases (ExAC no frequency). This sequence change replaces phenylalanine with valine at codon 556 of the ITCH protein (p.Phe556Val). The phenylalanine residue is highly conserved and there is a small physicochemical difference between phenylalanine and valine.

NM_031483.7(ITCH):c.1666T>G (p.Phe556Val)

Gene: ITCH (itchy E3 ubiquitin protein ligase; plus strand). Cytogenetic location: 20q11.22.
Variant type: single nucleotide variant.
Coding change: c.1666T>G on transcript NM_031483.7 (MANE Select); coding-DNA position 1666, T replaced by G.
Protein change: p.Phe556Val; replaces phenylalanine 556 with valine.
Molecular consequence: missense variant.
Genome position (GRCh38, 1-based): chr20:34,479,637, T>G. VCF-style: chr20-34479637-T-G. GRCh37 (hg19) VCF-style: chr20-33067442-T-G.
Other names: c.1789T>G, p.Phe597Val (NM_001257137.3, NM_001324197.2); c.1336T>G, p.Phe446Val (NM_001257138.3); c.1666T>G, p.Phe556Val (NM_001324198.2); short protein forms F597V, F446V, F556V.
Identifiers: ClinVar variation 958375 (VCV000958375.8), dbSNP rs1988546349, ClinGen allele CA408669305.